The following is an entry in ClinVar:

ClinVar aggregate classification (germline): Uncertain significance. Review status: criteria provided, multiple submitters, no conflicts (2 of 4 stars). 5 submissions from 5 submitters: Uncertain significance (4). 1 of the submissions does not count toward it. Last evaluated 2025-11-11.

Conditions:
Fumarase deficiency (FMRD). Also called: Fumarate Hydratase Deficiency; Fumaric aciduria. Identifiers: Orphanet 24, MedGen C0342770, MONDO:0011730, OMIM 606812.
Hereditary cancer-predisposing syndrome. Also called: Tumor predisposition; Hereditary neoplastic syndrome; Neoplastic Syndromes, Hereditary; Hereditary Cancer Syndrome. Identifiers: Orphanet 140162, MedGen C0027672, MeSH D009386, MONDO:0015356.

Allele frequency attached by ClinVar (database versions not stated): gnomAD exomes below 0.00001; TOPMed below 0.00001; ExAC 0.00001.

Submissions (6):

Labcorp Genetics (formerly Invitae), Labcorp
Classification: Uncertain significance. Last evaluated: 2025-11-11. Review status: criteria provided, single submitter. Criteria: Invitae Variant Classification Sherloc (09022015). Collection method: clinical testing. Allele origin: germline.
Comment: This sequence change replaces isoleucine, which is neutral and non-polar, with threonine, which is neutral and polar, at codon 342 of the FH protein (p.Ile342Thr). This variant is present in population databases (rs201383596, gnomAD 0.0009%). This variant has not been reported in the literature in individuals affected with FH-related conditions. ClinVar contains an entry for this variant (Variation ID: 480845). Invitae Evidence Modeling of protein sequence and biophysical properties (such as structural, functional, and spatial information, amino acid conservation, physicochemical variation, residue mobility, and thermodynamic stability) indicates that this missense variant is expected to disrupt FH protein function with a positive predictive value of 95%. In summary, the available evidence is currently insufficient to determine the role of this variant in disease. Therefore, it has been classified as a Variant of Uncertain Significance.

Ambry Genetics
Classification: Uncertain significance for Hereditary cancer-predisposing syndrome. Last evaluated: 2025-01-20. Review status: criteria provided, single submitter. Criteria: Ambry Variant Classification Scheme 2023. Collection method: clinical testing. Allele origin: germline.
Comment: The p.I342T variant (also known as c.1025T>C), located in coding exon 7 of the FH gene, results from a T to C substitution at nucleotide position 1025. The isoleucine at codon 342 is replaced by threonine, an amino acid with similar properties. This amino acid position is well conserved in available vertebrate species. In addition, this alteration is predicted to be deleterious by in silico analysis. Since supporting evidence is limited at this time, the clinical significance of this alteration remains unclear.

GeneDx
Classification: Uncertain significance. Last evaluated: 2024-05-05. Review status: criteria provided, single submitter. Criteria: GeneDx Variant Classification Process June 2021. Collection method: clinical testing. Allele origin: germline. Affected: yes.
Comment: Not observed at significant frequency in large population cohorts (gnomAD); In silico analysis supports that this missense variant has a deleterious effect on protein structure/function; Has not been previously published as pathogenic or benign to our knowledge

Baylor Genetics
Classification: Uncertain significance for Fumarase deficiency. Last evaluated: 2024-03-15. Review status: criteria provided, single submitter. Criteria: ACMG Guidelines, 2015. Collection method: clinical testing. Allele origin: unknown.

Natera, Inc.
Classification: Uncertain significance for Fumarase Deficiency. Last evaluated: 2020-12-08. Review status: no assertion criteria provided. Collection method: clinical testing. Allele origin: germline. Not counted in ClinVar's aggregate classification.

Blake Wilde Laboratory, Roswell Park Comprehensive Cancer Center
No classification provided (evidence only). Condition: Hereditary leiomyomatosis and renal cell cancer. Review status: no classification provided. Collection method: in vitro. Allele origin: not applicable. Functional consequence: decreased enzyme activity. Not counted in ClinVar's aggregate classification.

NM_000143.4(FH):c.1025T>C (p.Ile342Thr)

Gene: FH (fumarate hydratase; minus strand). Cytogenetic location: 1q43.
Variant type: single nucleotide variant.
Coding change: c.1025T>C on transcript NM_000143.4 (MANE Select); coding-DNA position 1025, T replaced by C.
Protein change: p.Ile342Thr; replaces isoleucine 342 with threonine.
Molecular consequence: missense variant.
Genome position (GRCh38, 1-based): chr1:241,504,125, A>G on the plus strand (T>C on the coding strand, the complement: FH is on the minus strand). VCF-style: chr1-241504125-A-G. GRCh37 (hg19) VCF-style: chr1-241667425-A-G.
Other names: short protein forms I342T.
Identifiers: ClinVar variation 480845 (VCV000480845.19), dbSNP rs201383596, ClinGen allele CA1478559.